The following is an entry in ClinVar:

ClinVar aggregate classification (germline): Uncertain significance (1 of 4 stars; one submission).

Conditions:
SLC10A1-related disorder. Also called: SLC10A1-related condition.

gnomAD v4.1: 4 of 1,614,088 alleles (0.00025%); highest among the groups gnomAD compares: East Asian, 0.0022%; no homozygotes.

Submission:

PreventionGenetics, part of Exact Sciences
Classification: Uncertain significance for SLC10A1-related condition. Last evaluated: 2025-07-09. Review status: criteria provided, single submitter. Criteria: ACMG Guidelines, 2015. Collection method: clinical testing. Allele origin: germline.
Comment: The SLC10A1 c.411C>T variant is not predicted to result in an amino acid change (p.=). This variant is predicted to alter splicing based on available splicing prediction software (SpliceAI, Jaganathan et al. 2019. PubMed ID: 30661751). However, the use of computer prediction software is not equivalent to functional evidence. To our knowledge, this variant has not been reported in the literature. This variant is reported in 0.0054% of alleles in individuals of East Asian descent in gnomAD. Although we suspect that this variant may be benign, at this time, the clinical significance of this variant is uncertain due to the absence of conclusive functional and genetic evidence.

NM_003049.4(SLC10A1):c.411C>T (p.Leu137=)

Gene: SLC10A1 (solute carrier family 10 member 1; minus strand). Cytogenetic location: 14q24.1.
Variant type: single nucleotide variant.
Coding change: c.411C>T on transcript NM_003049.4 (MANE Select); coding-DNA position 411, C replaced by T.
Protein change: p.Leu137=; no amino-acid change (leucine 137 retained).
Molecular consequence: synonymous variant.
Genome position (GRCh38, 1-based): chr14:69,786,253, G>A on the plus strand (C>T on the coding strand, the complement: SLC10A1 is on the minus strand). VCF-style: chr14-69786253-G-A. GRCh37 (hg19) VCF-style: chr14-70252970-G-A.
Identifiers: ClinVar variation 4990525 (VCV004990525.1).